The following is an entry in ClinVar:

ClinVar aggregate classification (germline): Benign/Likely benign. Review status: criteria provided, multiple submitters, no conflicts (2 of 4 stars). 5 submissions from 5 submitters: Benign (3); Likely benign (2). Last evaluated 2026-02-01.

Conditions:
Donnai-Barrow syndrome. Also called: DBS/FOAR SYNDROME; FACIOOCULOACOUSTICORENAL SYNDROME. Identifiers: Orphanet 2143, MedGen C1857277, MONDO:0009104, OMIM 222448.

Allele frequency attached by ClinVar (database versions not stated): 1000 Genomes Project 0.00160; 1000 Genomes Project 30x 0.00172; gnomAD 0.00265 and 0.00296; TOPMed 0.00286; ESP Exome Variant Server 0.00361; gnomAD exomes 0.00023 and 0.00071; ExAC 0.00100.

Submissions (5):

Labcorp Genetics (formerly Invitae), Labcorp
Classification: Benign. Last evaluated: 2026-02-01. Review status: criteria provided, single submitter. Criteria: Invitae Variant Classification Sherloc (09022015). Collection method: clinical testing. Allele origin: germline.

Blueprint Genetics
Classification: Likely benign. Last evaluated: 2024-10-24. Review status: criteria provided, single submitter. Criteria: ACMG Guidelines, 2015. Collection method: clinical testing. Allele origin: germline.

Fulgent Genetics
Classification: Likely benign for Donnai-Barrow syndrome. Last evaluated: 2021-08-16. Review status: criteria provided, single submitter. Criteria: ACMG Guidelines, 2015. Collection method: clinical testing. Allele origin: unknown.

Genome-Nilou Lab
Classification: Benign for Donnai-Barrow syndrome. Last evaluated: 2021-07-15. Review status: criteria provided, single submitter. Criteria: ACMG Guidelines, 2015. Collection method: clinical testing. Allele origin: germline. Affected: no.

Illumina Laboratory Services, Illumina
Classification: Benign for Donnai-Barrow syndrome. Last evaluated: 2018-01-12. Review status: criteria provided, single submitter. Criteria: ICSL Variant Classification Criteria 13 December 2019. Collection method: clinical testing. Allele origin: germline.
Comment: This variant was observed in the ICSL laboratory as part of a predisposition screen in an ostensibly healthy population. It had not been previously curated by ICSL or reported in the Human Gene Mutation Database (HGMD: prior to June 1st, 2018), and was therefore a candidate for classification through an automated scoring system. Utilizing variant allele frequency, disease prevalence and penetrance estimates, and inheritance mode, an automated score was calculated to assess if this variant is too frequent to cause the disease. Based on the score and internal cut-off values, a variant classified as benign is not then subjected to further curation. The score for this variant resulted in a classification of benign for this disease.

NM_004525.3(LRP2):c.5538+10C>T

Gene: LRP2 (LDL receptor related protein 2; minus strand). Cytogenetic location: 2q31.1.
Variant type: single nucleotide variant.
Coding change: c.5538+10C>T on transcript NM_004525.3 (MANE Select); 10 bases into the intron after coding-DNA position 5538, C replaced by T.
Molecular consequence: intron variant.
Genome position (GRCh38, 1-based): chr2:169,225,300, G>A on the plus strand (C>T on the coding strand, the complement: LRP2 is on the minus strand). VCF-style: chr2-169225300-G-A. GRCh37 (hg19) VCF-style: chr2-170081810-G-A.
Identifiers: ClinVar variation 332159 (VCV000332159.19), dbSNP rs115659204, ClinGen allele CA1954516.